The following is an entry in ClinVar:

NM_003076.5(SMARCD1):c.494G>A (p.Arg165Gln)

Gene: SMARCD1 (SWI/SNF related BAF chromatin remodeling complex subunit D1; plus strand). Cytogenetic location: 12q13.12.
Variant type: single nucleotide variant.
Coding change: c.494G>A on transcript NM_003076.5 (MANE Select); coding-DNA position 494, G replaced by A.
Protein change: p.Arg165Gln; replaces arginine 165 with glutamine.
Molecular consequence: missense variant.
Genome position (GRCh38, 1-based): chr12:50,086,841, G>A. VCF-style: chr12-50086841-G-A. GRCh37 (hg19) VCF-style: chr12-50480624-G-A.
Other names: c.494G>A, p.Arg165Gln (NM_139071.3); c.494G>A (NM_003076.4); short protein forms R165Q.
Identifiers: ClinVar variation 1708296 (VCV001708296.5), dbSNP rs2539487706, ClinGen allele CA384787057.
Genomic context (GRCh38, chr12:50,086,841, plus strand): 5'-AGGCCTATATGGATCTCTTGGCTTTTGAAAGGAAACTGGACCAGACTATCATGAGGAAAC[G>A]GCTAGATATCCAAGAGGCCTTGAAACGTCCCATCAAGGTAACACAGGAAAGTACTAGGCA-3'
Protein context (NP_003067.3, residues 155-175): RKLDQTIMRK[Arg165Gln]LDIQEALKRP

ClinVar aggregate classification (germline): Conflicting classifications of pathogenicity. Review status: criteria provided, conflicting classifications (1 of 4 stars). 2 submissions from 2 submitters: Likely pathogenic (1); Uncertain significance (1). Last evaluated 2025-11-07.

Submissions (2):

GeneDx
Classification: Uncertain significance. Last evaluated: 2025-11-07. Review status: criteria provided, single submitter. Criteria: GeneDx Variant Classification Process June 2021. Collection method: clinical testing. Allele origin: germline.
Comment: Not observed at significant frequency in large population cohorts (gnomAD); In silico analysis supports that this missense variant has a deleterious effect on protein structure/function; Has not been previously published as pathogenic or benign to our knowledge

Centre of Medical Genetics, University Hospital Muenster
Classification: Likely pathogenic. Last evaluated: 2021-09-10. Review status: criteria provided, single submitter. Criteria: ACMG Guidelines, 2015. Collection method: clinical testing. Allele origin: de novo. Affected: yes. Observed: 1 variant allele, 1 heterozygote.
Comment: ACMG categories: PS2,PM2,PP3